The following is an entry in ClinVar:

NM_005450.6(NOG):c.344C>T (p.Ala115Val)

Gene: NOG (noggin; plus strand). Cytogenetic location: 17q22.
Variant type: single nucleotide variant.
Coding change: c.344C>T on transcript NM_005450.6 (MANE Select); coding-DNA position 344, C replaced by T.
Protein change: p.Ala115Val; replaces alanine 115 with valine.
Molecular consequence: missense variant.
Genome position (GRCh38, 1-based): chr17:56,594,567, C>T. VCF-style: chr17-56594567-C-T. GRCh37 (hg19) VCF-style: chr17-54671928-C-T.
Other names: short protein forms A115V.
Identifiers: ClinVar variation 3729020 (VCV003729020.2).

ClinVar aggregate classification (germline): Uncertain significance (1 of 4 stars; one submission).

gnomAD v4.1: 7 of 1,596,068 alleles (0.00044%); highest among the groups gnomAD compares: Non-Finnish European, 0.0006%; 1 homozygote.

Submission:

Labcorp Genetics (formerly Invitae), Labcorp
Classification: Uncertain significance. Last evaluated: 2025-01-14. Review status: criteria provided, single submitter. Criteria: Invitae Variant Classification Sherloc (09022015). Collection method: clinical testing. Allele origin: germline.
Comment: This sequence change replaces alanine, which is neutral and non-polar, with valine, which is neutral and non-polar, at codon 115 of the NOG protein (p.Ala115Val). This variant is not present in population databases (gnomAD no frequency). This variant has not been reported in the literature in individuals affected with NOG-related conditions. An algorithm developed to predict the effect of missense changes on protein structure and function (PolyPhen-2) suggests that this variant is likely to be tolerated. In summary, the available evidence is currently insufficient to determine the role of this variant in disease. Therefore, it has been classified as a Variant of Uncertain Significance.